The following is an entry in ClinVar:

ClinVar aggregate classification (germline): Uncertain significance. Review status: criteria provided, multiple submitters, no conflicts (2 of 4 stars). 5 submissions from 5 submitters: Uncertain significance (4). 1 of the submissions does not count toward it. Last evaluated 2025-12-09.

Conditions:
Cardiovascular phenotype. Identifiers: MedGen CN230736.
Ventricular tachycardia. Identifiers: MedGen C0042514, MONDO:0005477, HP:0004756.
Brugada syndrome 8 (BRGDA8). Identifiers: Orphanet 130, MedGen C2751083, MONDO:0013148, OMIM 613123.

Submissions (5):

Labcorp Genetics (formerly Invitae), Labcorp
Classification: Uncertain significance for Brugada syndrome 8. Last evaluated: 2025-12-09. Review status: criteria provided, single submitter. Criteria: Invitae Variant Classification Sherloc (09022015). Collection method: clinical testing. Allele origin: germline.
Comment: This sequence change falls in intron 2 of the HCN4 gene. It does not directly change the encoded amino acid sequence of the HCN4 protein. RNA analysis indicates that this variant induces altered splicing and may result in an absent or disrupted protein product. However, the current clinical and genetic evidence is not sufficient to establish whether loss-of-function variants in HCN4 cause disease. This variant is not present in population databases (gnomAD no frequency). This variant has been observed in individual(s) with clinical features of HCN4-related conditions (PMID: 19165230, 36381173). This variant is also known as c.1209_1209+1insGTGA or IVS2DS. ClinVar contains an entry for this variant (Variation ID: 5177). Variants that disrupt the consensus splice site are a relatively common cause of aberrant splicing (PMID: 17576681, 9536098). Studies have shown that this variant results in activation of a cryptic splice site and introduces a premature termination codon (PMID: 19165230). The resulting mRNA is expected to undergo nonsense-mediated decay. In summary, the available evidence is currently insufficient to determine the role of this variant in disease. Therefore, it has been classified as a Variant of Uncertain Significance.

Ambry Genetics
Classification: Uncertain significance for Cardiovascular phenotype. Last evaluated: 2023-11-20. Review status: criteria provided, single submitter. Criteria: Ambry Variant Classification Scheme 2023. Collection method: clinical testing. Allele origin: germline.
Comment: The c.1209+2_1209+3insGAGT intronic variant results from an insertion of 4 nucleotides between positions c.1209+2 and c.1209+3 after coding exon 2 of the HCN4 gene. This variant (also referred to as IVS2DS and c.1209_1209+1insGTGA) has been detected in an individual with symptomatic ventricular tachycardia in whom evaluation revealed features suggestive of Brugada syndrome (Ueda K et al. J Hum Genet, 2009 Feb;54:115-21), and in an individual with bradycardia and intraventricular conduction delay (Ng D et al. Circ Cardiovasc Genet. 2013 Aug;6(4):337-46). A minigene assay suggested this variant may result in aberrantly spliced RT-PCR product in addition to normally spliced product (Ueda K et al. J Hum Genet, 2009 Feb;54:115-21). This nucleotide region is well conserved in available vertebrate species. In silico splice site analysis predicts that this alteration will not have any significant effect on splicing. Since supporting evidence is limited at this time, the clinical significance of this alteration remains unclear.

Biesecker Lab/Clinical Genomics Section, National Institutes of Health
Classification: Uncertain significance for Ventricular tachycardia. Last evaluated: 2018-04-05. Review status: criteria provided, single submitter. Criteria: ACMG Guidelines, 2015. Collection method: research. Allele origin: unknown. Affected: no. Observed: 1 variant allele.
Comment: The study set was not selected for affection status in relation to arrhythmia or cardiomyopathy. Pathogenicity categories were based on literature curation. See Pubmed ID:25741868 for details.

Medical sequencing

Blueprint Genetics
Classification: Uncertain significance. Last evaluated: 2017-07-04. Review status: criteria provided, single submitter. Criteria: ACMG Guidelines, 2015. Collection method: clinical testing. Allele origin: germline.

OMIM
Classification: Pathogenic for BRUGADA SYNDROME 8. Last evaluated: 2009-02-01. Review status: no assertion criteria provided. Collection method: literature only. Allele origin: germline. Not counted in ClinVar's aggregate classification.

Literature cited by the submitters: PubMed 19165230 (cited by 3 submitters); PubMed 36381173 (cited by Labcorp Genetics (formerly Invitae), Labcorp); PubMed 17576681 (cited by Labcorp Genetics (formerly Invitae), Labcorp); PubMed 9536098 (cited by Labcorp Genetics (formerly Invitae), Labcorp).

NM_005477.3(HCN4):c.1209+2_1209+3insGTGA

Genes: HCN4 (hyperpolarization activated cyclic nucleotide gated potassium channel 4; minus strand), LOC105370890 (uncharacterized LOC105370890; plus strand). Cytogenetic location: 15q24.1.
Variant type: Insertion.
Coding change: c.1209+2_1209+3insGTGA on transcript NM_005477.3 (MANE Select); the canonical splice donor site of the intron after coding-DNA position 1209 through 3 bases into the intron after coding-DNA position 1209, GTGA inserted.
Molecular consequence: splice donor variant.
Genome position: GRCh38 VCF-style: chr15-73343382-T-TACTC. GRCh37 (hg19) VCF-style: chr15-73635723-T-TACTC.
Identifiers: ClinVar variation 5177 (VCV000005177.10), dbSNP rs786205418, ClinGen allele CA199791.